The following is an entry in ClinVar:

NM_207037.2(TCF12):c.1780C>T (p.Gln594Ter)

Gene: TCF12 (transcription factor 12; plus strand). Cytogenetic location: 15q21.3.
Variant type: single nucleotide variant.
Coding change: c.1780C>T on transcript NM_207037.2 (MANE Select); coding-DNA position 1780, C replaced by T.
Protein change: p.Gln594Ter; replaces glutamine 594 with a stop codon.
Molecular consequence: nonsense.
Genome position (GRCh38, 1-based): chr15:57,273,064, C>T. VCF-style: chr15-57273064-C-T. GRCh37 (hg19) VCF-style: chr15-57565262-C-T.
Other names: c.1123C>T, p.Gln375Ter (NM_001322154.2); c.1606C>T, p.Gln536Ter (NM_001322156.2); c.1708C>T, p.Gln570Ter (NM_001322157.3, NM_001322165.2, NM_003205.4 and 1 more transcripts); c.1534C>T, p.Gln512Ter (NM_001322158.2); c.1780C>T, p.Gln594Ter (NM_001322159.3, NM_001322162.2, NM_001322151.2 and 1 more transcripts); c.1777C>T, p.Gln593Ter (NM_001322161.2, NM_001322152.2); c.1744C>T, p.Gln582Ter (NM_001322164.2); c.1270C>T, p.Gln424Ter (NM_001306219.3); and 2 more; short protein forms Q570*, Q334*, Q594*, Q375*, Q424*, Q582*, Q400*, Q512*.
Identifiers: ClinVar variation 2704551 (VCV002704551.3), dbSNP rs1289730745, ClinGen allele CA392591799.

ClinVar aggregate classification (germline): Pathogenic (1 of 4 stars; one submission).

Submission:

Labcorp Genetics (formerly Invitae), Labcorp
Classification: Pathogenic. Last evaluated: 2024-02-14. Review status: criteria provided, single submitter. Criteria: Invitae Variant Classification Sherloc (09022015). Collection method: clinical testing. Allele origin: germline.
Comment: This sequence change creates a premature translational stop signal (p.Gln594*) in the TCF12 gene. It is expected to result in an absent or disrupted protein product. Loss-of-function variants in TCF12 are known to be pathogenic (PMID: 23354436, 32620954). This variant is not present in population databases (gnomAD no frequency). This variant has not been reported in the literature in individuals affected with TCF12-related conditions. For these reasons, this variant has been classified as Pathogenic.

Literature cited by the submitters: PubMed 23354436; PubMed 32620954.